The following is an entry in ClinVar:

NM_001130438.3(SPTAN1):c.1856C>A (p.Ala619Asp)

Gene: SPTAN1 (spectrin alpha, non-erythrocytic 1; plus strand). Cytogenetic location: 9q34.11.
Variant type: single nucleotide variant.
Coding change: c.1856C>A on transcript NM_001130438.3 (MANE Select); coding-DNA position 1856, C replaced by A.
Protein change: p.Ala619Asp; replaces alanine 619 with aspartic acid.
Molecular consequence: missense variant.
Genome position (GRCh38, 1-based): chr9:128,583,126, C>A. VCF-style: chr9-128583126-C-A. GRCh37 (hg19) VCF-style: chr9-131345405-C-A.
Other names: c.1856C>A, p.Ala619Asp (NM_001195532.2, NM_001363759.2, NM_001363765.2 and 5 more transcripts); c.1892C>A, p.Ala631Asp (NM_001375312.2, NM_001375318.1); short protein forms A619D, A631D.
Identifiers: ClinVar variation 1063925 (VCV001063925.10), dbSNP rs772608327, ClinGen allele CA5264529.
Genomic context (GRCh38, chr9:128,583,126, plus strand): 5'-TTTATTCACAGGATCCATCCAACCTACAAGGAAAAGTACAGAAGCATCAGGCTTTTGAGG[C>A]TGAGCTCTCAGCAAACCAGAGCCGAATTGATGCCTTGGAGAAAGCTGGCCAAAAGCTGAT-3'
Protein context (NP_001123910.1, residues 609-629): GKVQKHQAFE[Ala619Asp]ELSANQSRID

ClinVar aggregate classification (germline): Uncertain significance (1 of 4 stars; one submission).

Conditions:
Early-infantile DEE. Also called: Ohtahara syndrome; Early infantile epileptic encephalopathy with suppression bursts; Early infantile epileptic encephalopathy. Identifiers: Orphanet 1934, MedGen C0393706, MONDO:0800491.

Allele frequency attached by ClinVar (database versions not stated): gnomAD exomes below 0.00001; TOPMed below 0.00001; ExAC 0.00001.

Submission:

Labcorp Genetics (formerly Invitae), Labcorp
Classification: Uncertain significance for Early-infantile DEE. Last evaluated: 2024-07-17. Review status: criteria provided, single submitter. Criteria: Invitae Variant Classification Sherloc (09022015). Collection method: clinical testing. Allele origin: germline.
Comment: This sequence change replaces alanine, which is neutral and non-polar, with aspartic acid, which is acidic and polar, at codon 619 of the SPTAN1 protein (p.Ala619Asp). This variant is present in population databases (rs772608327, gnomAD 0.003%). This variant has not been reported in the literature in individuals affected with SPTAN1-related conditions. ClinVar contains an entry for this variant (Variation ID: 1063925). Advanced modeling of protein sequence and biophysical properties (such as structural, functional, and spatial information, amino acid conservation, physicochemical variation, residue mobility, and thermodynamic stability) has been performed at Invitae for this missense variant, however the output from this modeling did not meet the statistical confidence thresholds required to predict the impact of this variant on SPTAN1 protein function. In summary, the available evidence is currently insufficient to determine the role of this variant in disease. Therefore, it has been classified as a Variant of Uncertain Significance.